The following is an entry in ClinVar:

ClinVar aggregate classification (germline): Likely benign. Review status: criteria provided, single submitter (1 of 4 stars). 2 submissions from 2 submitters: Likely benign (1). 1 of the submissions does not count toward it. Last evaluated 2025-12-13.

Conditions:
DIP2C-related disorder. Also called: DIP2C-related condition.

Allele frequency attached by ClinVar (database versions not stated): ExAC 0.00001; gnomAD exomes 0.00001; TOPMed 0.00003; gnomAD 0.00004.
gnomAD v4.1: 22 of 1,611,454 alleles (0.0014%); highest among the groups gnomAD compares: Middle Eastern, 0.016%; no homozygotes.

Submissions (2):

Labcorp Genetics (formerly Invitae), Labcorp
Classification: Likely benign. Last evaluated: 2025-12-13. Review status: criteria provided, single submitter. Criteria: Invitae Variant Classification Sherloc (09022015). Collection method: clinical testing. Allele origin: germline.

PreventionGenetics, part of Exact Sciences
Classification: Likely benign for DIP2C-related condition. Last evaluated: 2019-05-17. Review status: no assertion criteria provided. Collection method: clinical testing. Allele origin: germline. Not counted in ClinVar's aggregate classification.
Comment: This variant is classified as likely benign based on ACMG/AMP sequence variant interpretation guidelines (Richards et al. 2015 PMID: 25741868, with internal and published modifications).

NM_014974.3(DIP2C):c.870G>A (p.Pro290=)

Gene: DIP2C (DIP2 acetate--CoA ligase C (putative); minus strand). Cytogenetic location: 10p15.3.
Variant type: single nucleotide variant.
Coding change: c.870G>A on transcript NM_014974.3 (MANE Select); coding-DNA position 870, G replaced by A.
Protein change: p.Pro290=; no amino-acid change (proline 290 retained).
Molecular consequence: synonymous variant.
Genome position (GRCh38, 1-based): chr10:414,100, C>T on the plus strand (G>A on the coding strand, the complement: DIP2C is on the minus strand). VCF-style: chr10-414100-C-T. GRCh37 (hg19) VCF-style: chr10-460040-C-T.
Identifiers: ClinVar variation 3041704 (VCV003041704.3), dbSNP rs781439681, ClinGen allele CA5381153.